The following is an entry in ClinVar:

ClinVar aggregate classification (germline): Likely pathogenic (1 of 4 stars; one submission).

Conditions:
ALG9-related disorder. Also called: ALG9-related condition.

Submission:

PreventionGenetics, part of Exact Sciences
Classification: Likely pathogenic for ALG9-related condition. Last evaluated: 2026-04-11. Review status: criteria provided, single submitter. Criteria: ACMG Guidelines, 2015. Collection method: clinical testing. Allele origin: germline.
Comment: The ALG9 c.1559delC variant is predicted to result in a frameshift and premature protein termination (p.Pro520Leufs*4). To our knowledge, this variant has not been reported in the literature or in a large population database (gnomAD), indicating this variant is rare. Frameshift variants in ALG9 are expected to be pathogenic. Loss of function is the disease causing mechanism for ALG9 to both autosomal dominant and recessive ALG9-related disorders. This variant is interpreted as likely pathogenic for both autosomal dominant and recessive ALG9-related disorders.

NM_024740.2(ALG9):c.1559del (p.Pro520fs)

Gene: ALG9 (ALG9 alpha-1,2-mannosyltransferase; minus strand). Cytogenetic location: 11q23.1.
Variant type: Deletion.
Coding change: c.1559del on transcript NM_024740.2 (MANE Select); coding-DNA position 1559, one base deleted (C; older notation c.1559delC).
Protein change: p.Pro520fs; shifts the reading frame from proline 520.
Molecular consequence: frameshift variant. On other transcripts: non-coding transcript variant (1).
Genome position (GRCh38, 1-based): chr11:111,836,208, G deleted on the plus strand (C on the coding strand, the reverse complement: ALG9 is on the minus strand); the first of 2 consecutive G bases (chr11:111,836,208-111,836,209); deleting either gives the same sequence. VCF-style (leftmost placement, unchanged base first): chr11-111836207-AG-A. GRCh37 (hg19) VCF-style: chr11-111706930-AG-A.
Other names: c.1538del, p.Pro513fs (NM_001077690.1, NM_001352417.1, NM_001441205.1); c.1046del, p.Pro349fs (NM_001077691.2, NM_001352413.1, NM_001352414.2 and 1 more transcripts); c.1025del, p.Pro342fs (NM_001077692.2, NM_001352409.1, NM_001352410.1 and 6 more transcripts); c.1415del, p.Pro472fs (NM_001352418.1); c.950del, p.Pro317fs (NM_001352422.2); c.902del, p.Pro301fs (NM_001352423.2); c.1559del, p.Pro520fs (NM_001441203.1, NM_001441204.1); c.1436del, p.Pro479fs (NM_001441206.1); and 1 more; short protein forms P342fs, P349fs, P301fs, P472fs, P317fs, P479fs, P513fs, P520fs.
Identifiers: ClinVar variation 4994577 (VCV004994577.1).